The following is an entry in ClinVar:

NM_000489.6(ATRX):c.5225G>A (p.Arg1742Lys)

Gene: ATRX (ATRX chromatin remodeler; minus strand). Cytogenetic location: Xq21.1.
Variant type: single nucleotide variant.
Coding change: c.5225G>A on transcript NM_000489.6 (MANE Select); coding-DNA position 5225, G replaced by A.
Protein change: p.Arg1742Lys; replaces arginine 1742 with lysine.
Molecular consequence: missense variant.
Genome position (GRCh38, 1-based): chrX:77,620,442, C>T on the plus strand (G>A on the coding strand, the complement: ATRX is on the minus strand). VCF-style: chrX-77620442-C-T. GRCh37 (hg19) VCF-style: chrX-76875910-C-T.
Other names: c.5111G>A, p.Arg1704Lys (NM_138270.5); c.5225G>A (NM_000489.3); short protein forms R1742K, R1704K.
Identifiers: ClinVar variation 11736 (VCV000011736.3), dbSNP rs122445104, ClinGen allele CA256047.

ClinVar aggregate classification (germline): Likely pathogenic. Review status: criteria provided, single submitter (1 of 4 stars). 2 submissions from 2 submitters: Likely pathogenic (1). 1 of the submissions does not count toward it. Last evaluated 2026-02-21.

Conditions:
Alpha thalassemia-X-linked intellectual disability syndrome (ATRX). Also called: ALPHA-THALASSEMIA/MENTAL RETARDATION SYNDROME, X-LINKED; X-linked alpha-thalassemia-mental retardation syndrome; ATR, NONDELETION TYPE; ALPHA-THALASSEMIA/IMPAIRED INTELLECTUAL DEVELOPMENT SYNDROME, X-LINKED; ATR-X syndrome; Alpha thalassemia mental retardation syndrome, nondeletion type, X-linked. Identifiers: Orphanet 847, MedGen C1845055, MONDO:0010519, OMIM 301040.

Submissions (2):

GeneDx
Classification: Likely pathogenic. Last evaluated: 2026-02-21. Review status: criteria provided, single submitter. Criteria: GeneDx Variant Classification Process June 2021. Collection method: clinical testing. Allele origin: germline.
Comment: Not observed at significant frequency in large population cohorts (gnomAD); In silico analysis supports that this missense variant has a deleterious effect on protein structure/function; This variant is associated with the following publications: (PMID: 10751095, 35444965, 35962714, 9598720, 10417298, 18409179)

OMIM
Classification: Pathogenic for ALPHA-THALASSEMIA/IMPAIRED INTELLECTUAL DEVELOPMENT SYNDROME, X-LINKED. Last evaluated: 1999-08-01. Review status: no assertion criteria provided. Collection method: literature only. Allele origin: germline. Not counted in ClinVar's aggregate classification.

Literature cited by the submitters: PubMed 9598720 (cited by OMIM); PubMed 10417298 (cited by OMIM).